The following is an entry in ClinVar:

ClinVar aggregate classification (germline): Pathogenic (1 of 4 stars; one submission).

Conditions:
Fabry disease. Also called: ALPHA-GALACTOSIDASE A DEFICIENCY; ANDERSON-FABRY DISEASE; CERAMIDE TRIHEXOSIDASE DEFICIENCY; GLA DEFICIENCY; HEREDITARY DYSTOPIC LIPIDOSIS; Angiokeratoma corporis diffusum. Identifiers: Orphanet 324, MedGen C0002986, MONDO:0010526, OMIM 301500, HP:0001071. Disease mechanism: Fabry disease is due to inactivating mutations in the X-linked GLA gene resulting in deficiency of the enzyme Alpha Galactosidase-A., loss of function.

Submission:

Genomenon, Inc
Classification: Pathogenic for Fabry disease. Last evaluated: 2026-09-08. Review status: criteria provided, single submitter. Criteria: Genomenon Sequence Variant Interpretation Standards - Updated. Collection method: curation. Allele origin: germline. Affected: yes.
Comment: GLA p.Trp340Ser (c.1019G>C) is a missense variant that changes the amino acid at codon 340 from Tryptophan to Serine. This variant has been observed in at least one proband with clinical features consistent with Fabry disease (PMID:27896102;33072516;35419325). A de novo occurrence of this variant has been observed in at least one affected individual (PMID:27896102). At least one functional study has demonstrated a substantial alteration in protein function relative to the wild-type (PMID:27896102). It is absent or not present at a significant frequency in gnomAD. In silico models predict that this variant is possibly or probably damaging. In conclusion, we classify GLA p.Trp340Ser (c.1019G>C) as a pathogenic variant.

Literature cited by the submitters: PubMed 27896102; PubMed 33072516; PubMed 35419325.

NM_000169.3(GLA):c.1019G>C (p.Trp340Ser)

Genes: GLA (galactosidase alpha; minus strand), RPL36A-HNRNPH2 (RPL36A-HNRNPH2 readthrough; plus strand). Cytogenetic location: Xq22.1.
Variant type: single nucleotide variant.
Coding change: c.1019G>C on transcript NM_000169.3 (MANE Select); coding-DNA position 1019, G replaced by C.
Protein change: p.Trp340Ser; replaces tryptophan 340 with serine.
Molecular consequence: missense variant. On other transcripts: non-coding transcript variant (3), intron variant (2).
Genome position (GRCh38, 1-based): chrX:101,398,080, C>G on the plus strand (G>C on the coding strand, the complement: GLA is on the minus strand). VCF-style: chrX-101398080-C-G. GRCh37 (hg19) VCF-style: chrX-100653068-C-G.
Other names: c.1142G>C, p.Trp381Ser (NM_001406747.1); c.300+2623C>G (NM_001199973.2); c.177+6258C>G (NM_001199974.2); short protein forms W340S, W381S.
Identifiers: ClinVar variation 4087618 (VCV004087618.2).
Genomic context (GRCh38, chrX:101,398,080, plus strand): 5'-CCAATCTCCTGCCGGTTTATCATAGCTACAGCCCAGGCTAAGCCTGAGAGAGGTCGTTCC[C>G]ACACTTCAAAGTTGTCTCCCTGAAAAACCAAGAAAGTGTGGTTGCTTAGCAACTAGTGAT-3'
Protein context (NP_000160.1, residues 330-350): QLRQGDNFEV[Trp340Ser]ERPLSGLAWA